The following is an entry in ClinVar:

ClinVar aggregate classification (germline): Benign. Review status: criteria provided, multiple submitters, no conflicts (2 of 4 stars). 3 submissions from 3 submitters: Benign (2). 1 of the submissions does not count toward it. Last evaluated 2019-12-31.

Conditions:
MAPK8IP3-related disorder. Also called: MAPK8IP3-related condition.

Allele frequency attached by ClinVar (database versions not stated): gnomAD exomes 0.00111; ExAC 0.00203; 1000 Genomes Project 0.00399; gnomAD 0.00451 and 0.00493; 1000 Genomes Project 30x 0.00453; TOPMed 0.00481; ESP Exome Variant Server 0.00497.
gnomAD v4.1: 1,343 of 1,576,848 alleles (0.085%); highest among the groups gnomAD compares: African/African-American, 1.6%; 13 homozygotes.

Submissions (3):

Labcorp Genetics (formerly Invitae), Labcorp
Classification: Benign. Last evaluated: 2019-12-31. Review status: criteria provided, single submitter. Criteria: Invitae Variant Classification Sherloc (09022015). Collection method: clinical testing. Allele origin: germline.

Breakthrough Genomics
Classification: Benign. Review status: criteria provided, single submitter. Criteria: ACMG Guidelines, 2015. Collection method: not provided. Allele origin: germline. Inheritance: Autosomal dominant inheritance. Affected: yes.

PreventionGenetics, part of Exact Sciences
Classification: Benign for MAPK8IP3-related condition. Last evaluated: 2019-11-11. Review status: no assertion criteria provided. Collection method: clinical testing. Allele origin: germline. Not counted in ClinVar's aggregate classification.
Comment: This variant is classified as benign based on ACMG/AMP sequence variant interpretation guidelines (Richards et al. 2015 PMID: 25741868, with internal and published modifications).

NM_001318852.2(MAPK8IP3):c.2133C>T (p.Ala711=)

Gene: MAPK8IP3 (mitogen-activated protein kinase 8 interacting protein 3; plus strand). Cytogenetic location: 16p13.3.
Variant type: single nucleotide variant.
Coding change: c.2133C>T on transcript NM_001318852.2 (MANE Select); coding-DNA position 2133, C replaced by T.
Protein change: p.Ala711=; no amino-acid change (alanine 711 retained).
Molecular consequence: synonymous variant.
Genome position (GRCh38, 1-based): chr16:1,764,312, C>T. VCF-style: chr16-1764312-C-T. GRCh37 (hg19) VCF-style: chr16-1814313-C-T.
Other names: c.2112C>T, p.Ala704= (NM_001040439.2); c.2130C>T, p.Ala710= (NM_015133.5).
Identifiers: ClinVar variation 711954 (VCV000711954.7), dbSNP rs61729113, ClinGen allele CA7817155.